The following is an entry in ClinVar:

GRCh38/hg38 22q11.21(chr22:18985739-21081116)x1

Genes: AIFM3 (AIF family member 3; plus strand), ARVCF (ARVCF delta catenin family member; minus strand), C22orf39 (chromosome 22 open reading frame 39; minus strand), CCDC188 (coiled-coil domain containing 188; minus strand), CDC45 (cell division cycle 45; plus strand) and 167 more. Cytogenetic location: 22q11.21.
Variant type: copy number loss.
Change: copy number 1 (one copy instead of two) of chr22:18,985,739-21,081,116 (2.10 Mb, GRCh38 coordinates, 1-based), cytogenetic band 22q11.21.
Identifiers: ClinVar variation 2579266 (VCV002579266.1).

ClinVar aggregate classification (germline): Pathogenic (1 of 4 stars; one submission).

Conditions:
DiGeorge syndrome. Also called: THIRD AND FOURTH PHARYNGEAL POUCH SYNDROME; Catch22. Identifiers: Orphanet 567, MedGen C0012236, MONDO:0008564, OMIM 188400.

Submission:

Broad Center for Mendelian Genomics, Broad Institute of MIT and Harvard
Classification: Pathogenic for DiGeorge syndrome. Last evaluated: 2023-08-24. Review status: criteria provided, single submitter. Criteria: ACMG/ClinGen CNV Guidelines, 2019. Collection method: research. Allele origin: de novo. Inheritance: Autosomal dominant inheritance. Affected: yes.
Comment: The presence of this deletion was validated by ddPCR. These breakpoints have been estimated by exome sequencing only and therefore may not reflect the true breakpoints. The patient phenotype is nonspecific, but is consistent with cases described in the literature and/or published databases with overlapping variants. There is complete overlap with the 22q11.2 recurrent (DGS/VCFS) region (proximal, A-B) (includes TBX1) and the 22q11.2 recurrent (DGS/VCFS) region (proximal, A-D) (includes TBX1), which are known to be haploinsufficient and have been assessed by the ClinGen Dosage Sensitivity Working Group. A slightly larger overlapping deletion has been identified in 0.03% (3/9534) of African/African American chromosomes by the Genome Aggregation Database (gnomAD; Structural variant: DEL_22_181350). Although a deletion overlapping the region of this CNV has been seen in the general population in a heterozygous state, its frequency is not high enough to rule out a pathogenic role. In summary, this variant meets criteria to be classified as pathogenic for autosomal dominant chromosome 22q11.2 deletion syndrome. The ACMG/ClinGen evidence codes and points used in this curation are as follows: 1: 0 points, 2: 1.00 points, 3: 0.90 points, 4-5: 0.15 points; Total: 4.05 points; Riggs 2020 (PMID: 31690835).